The following is an entry in ClinVar:

ClinVar aggregate classification (germline): Uncertain significance (1 of 4 stars; one submission).

gnomAD v4.1: 56 of 1,612,922 alleles (0.0035%); highest among the groups gnomAD compares: Non-Finnish European, 0.00042%; no homozygotes.

Submission:

Labcorp Genetics (formerly Invitae), Labcorp
Classification: Uncertain significance. Last evaluated: 2021-08-28. Review status: criteria provided, single submitter. Criteria: Invitae Variant Classification Sherloc (09022015). Collection method: clinical testing. Allele origin: germline.
Comment: This sequence change replaces arginine with leucine at codon 455 of the PYROXD1 protein (p.Arg455Leu). The arginine residue is moderately conserved and there is a moderate physicochemical difference between arginine and leucine. This variant is present in population databases (rs752999723, ExAC 0.009%). This variant has not been reported in the literature in individuals affected with PYROXD1-related conditions. Algorithms developed to predict the effect of missense changes on protein structure and function are either unavailable or do not agree on the potential impact of this missense change (SIFT: "Deleterious"; PolyPhen-2: "Benign"; Align-GVGD: "Class C0"). In summary, the available evidence is currently insufficient to determine the role of this variant in disease. Therefore, it has been classified as a Variant of Uncertain Significance.

NM_024854.5(PYROXD1):c.1364G>T (p.Arg455Leu)

Gene: PYROXD1 (pyridine nucleotide-disulphide oxidoreductase domain 1; plus strand). Cytogenetic location: 12p12.1.
Variant type: single nucleotide variant.
Coding change: c.1364G>T on transcript NM_024854.5 (MANE Select); coding-DNA position 1364, G replaced by T.
Protein change: p.Arg455Leu; replaces arginine 455 with leucine.
Molecular consequence: missense variant.
Genome position (GRCh38, 1-based): chr12:21,468,615, G>T. VCF-style: chr12-21468615-G-T. GRCh37 (hg19) VCF-style: chr12-21621549-G-T.
Other names: c.1151G>T, p.Arg384Leu (NM_001350912.2); c.587G>T, p.Arg196Leu (NM_001350913.2); short protein forms R196L, R384L, R455L.
Identifiers: ClinVar variation 1489341 (VCV001489341.5), dbSNP rs752999723, ClinGen allele CA6478543.